The following is an entry in ClinVar:

ClinVar aggregate classification (germline): Uncertain significance. Review status: criteria provided, multiple submitters, no conflicts (2 of 4 stars). 2 submissions from 2 submitters: Uncertain significance (2). Last evaluated 2024-06-12.

gnomAD v4.1: 3 of 1,593,700 alleles (0.00019%); highest among the groups gnomAD compares: African/African-American, 0.0013%; no homozygotes.

Submissions (2):

Blueprint Genetics
Classification: Uncertain significance. Last evaluated: 2024-06-12. Review status: criteria provided, single submitter. Criteria: ACMG Guidelines, 2015. Collection method: clinical testing. Allele origin: germline.

Labcorp Genetics (formerly Invitae), Labcorp
Classification: Uncertain significance. Last evaluated: 2024-06-10. Review status: criteria provided, single submitter. Criteria: Invitae Variant Classification Sherloc (09022015). Collection method: clinical testing. Allele origin: germline.
Comment: This sequence change replaces arginine, which is basic and polar, with histidine, which is basic and polar, at codon 567 of the CACNA1G protein (p.Arg567His). This variant is not present in population databases (gnomAD no frequency). This variant has not been reported in the literature in individuals affected with CACNA1G-related conditions. Advanced modeling of protein sequence and biophysical properties (such as structural, functional, and spatial information, amino acid conservation, physicochemical variation, residue mobility, and thermodynamic stability) performed at Invitae indicates that this missense variant is not expected to disrupt CACNA1G protein function with a negative predictive value of 95%. In summary, the available evidence is currently insufficient to determine the role of this variant in disease. Therefore, it has been classified as a Variant of Uncertain Significance.

NM_018896.5(CACNA1G):c.1700G>A (p.Arg567His)

Gene: CACNA1G (calcium voltage-gated channel subunit alpha1 G; plus strand). Cytogenetic location: 17q21.33.
Variant type: single nucleotide variant.
Coding change: c.1700G>A on transcript NM_018896.5 (MANE Select); coding-DNA position 1700, G replaced by A.
Protein change: p.Arg567His; replaces arginine 567 with histidine.
Molecular consequence: missense variant. On other transcripts: non-coding transcript variant (5).
Genome position (GRCh38, 1-based): chr17:50,576,102, G>A. VCF-style: chr17-50576102-G-A. GRCh37 (hg19) VCF-style: chr17-48653463-G-A.
Other names: c.1700G>A, p.Arg567His (NM_001256324.2, NM_001256325.2, NM_001256326.2 and 24 more transcripts); short protein forms R567H.
Identifiers: ClinVar variation 3711294 (VCV003711294.3).